The following is an entry in ClinVar:

ClinVar aggregate classification (germline): Uncertain significance. Review status: criteria provided, multiple submitters, no conflicts (2 of 4 stars). 3 submissions from 3 submitters: Uncertain significance (3). Last evaluated 2021-09-01.

Conditions:
Immunodeficiency 104. Also called: SCID, AUTOSOMAL RECESSIVE, T CELL-NEGATIVE, B CELL-POSITIVE, NK CELL-POSITIVE; Severe Combined Immune Deficiency, Autosomal Recessive, TCell -Negative, B Cell-Positive, NK Cell-Positive, IL7R-Related; Severe combined immunodeficiency, autosomal recessive, T cell-negative, B cell-positive, NK cell-positive; IMMUNODEFICIENCY 104, SEVERE COMBINED. Identifiers: MedGen C5676890, MONDO:0012163, OMIM 608971.

Allele frequency attached by ClinVar (database versions not stated): gnomAD 0.00002; ExAC 0.00003; TOPMed 0.00003; gnomAD exomes 0.00004 and 0.00006.
gnomAD v4.1: 91 of 1,613,814 alleles (0.0056%); highest among the groups gnomAD compares: Middle Eastern, 0.066%; no homozygotes.

Submissions (3):

Labcorp Genetics (formerly Invitae), Labcorp
Classification: Uncertain significance for Immunodeficiency 104. Last evaluated: 2021-09-01. Review status: criteria provided, single submitter. Criteria: Invitae Variant Classification Sherloc (09022015). Collection method: clinical testing. Allele origin: germline.
Comment: This sequence change replaces asparagine with serine at codon 232 of the IL7R protein (p.Asn232Ser). The asparagine residue is weakly conserved and there is a small physicochemical difference between asparagine and serine. This variant is present in population databases (rs199714011, ExAC 0.006%). This variant has not been reported in the literature in individuals affected with IL7R-related conditions. ClinVar contains an entry for this variant (Variation ID: 353267). Algorithms developed to predict the effect of missense changes on protein structure and function output the following: SIFT: "Tolerated"; PolyPhen-2: "Benign"; Align-GVGD: "Class C0". The serine amino acid residue is found in multiple mammalian species, which suggests that this missense change does not adversely affect protein function. In summary, the available evidence is currently insufficient to determine the role of this variant in disease. Therefore, it has been classified as a Variant of Uncertain Significance.

Illumina Laboratory Services, Illumina
Classification: Uncertain significance for Immunodeficiency 104. Last evaluated: 2018-01-13. Review status: criteria provided, single submitter. Criteria: ICSL Variant Classification Criteria 13 December 2019. Collection method: clinical testing. Allele origin: germline.

Breakthrough Genomics
Classification: Uncertain significance. Review status: criteria provided, single submitter. Criteria: ACMG Guidelines, 2015. Collection method: not provided. Allele origin: germline. Inheritance: Autosomal recessive inheritance. Affected: yes.

NM_002185.5(IL7R):c.695A>G (p.Asn232Ser)

Gene: IL7R (interleukin 7 receptor; plus strand). Cytogenetic location: 5p13.2.
Variant type: single nucleotide variant.
Coding change: c.695A>G on transcript NM_002185.5 (MANE Select); coding-DNA position 695, A replaced by G.
Protein change: p.Asn232Ser; replaces asparagine 232 with serine.
Molecular consequence: missense variant.
Genome position (GRCh38, 1-based): chr5:35,873,637, A>G. VCF-style: chr5-35873637-A-G. GRCh37 (hg19) VCF-style: chr5-35873739-A-G.
Other names: short protein forms N232S.
Identifiers: ClinVar variation 353267 (VCV000353267.13), dbSNP rs199714011, ClinGen allele CA3232050.
Genomic context (GRCh38, chr5:35,873,637, plus strand): 5'-ATTTTAAAGGCTTCTGGAGTGAATGGAGTCCAAGTTATTACTTCAGAACTCCAGAGATCA[A>G]TAATAGCTCAGGTAAGGAATGGTGGTAGAGTTTTTGTTCCCTCAGAGTGCTTTGCATGTC-3'
Protein context (NP_002176.2, residues 222-242): PSYYFRTPEI[Asn232Ser]NSSGEMDPIL